The following is an entry in ClinVar:

NM_000455.5(STK11):c.833G>A (p.Cys278Tyr)

Gene: STK11 (serine/threonine kinase 11; plus strand). Cytogenetic location: 19p13.3.
Variant type: single nucleotide variant.
Coding change: c.833G>A on transcript NM_000455.5 (MANE Select); coding-DNA position 833, G replaced by A.
Protein change: p.Cys278Tyr; replaces cysteine 278 with tyrosine.
Molecular consequence: missense variant.
Genome position (GRCh38, 1-based): chr19:1,221,311, G>A. VCF-style: chr19-1221311-G-A. GRCh37 (hg19) VCF-style: chr19-1221310-G-A.
Other names: short protein forms C278Y.
Identifiers: ClinVar variation 854903 (VCV000854903.10), dbSNP rs2080782575, ClinGen allele CA402950674.

ClinVar aggregate classification (germline): Uncertain significance. Review status: criteria provided, multiple submitters, no conflicts (2 of 4 stars). 2 submissions from 2 submitters: Uncertain significance (2). Last evaluated 2025-05-22.

Conditions:
Peutz-Jeghers syndrome (PJS). Also called: Peutz-Jeghers polyposis; Periorificial lentiginosis syndrome; POLYPOSIS, HAMARTOMATOUS INTESTINAL; POLYPS-AND-SPOTS SYNDROME. Identifiers: Orphanet 2869, MedGen C0031269, MeSH D010580, MONDO:0008280, OMIM 175200.
Germ cell tumor of testis (TGCT). Also called: GERM CELL TUMOR, SOMATIC; Testicular germ cell tumor. Identifiers: Orphanet 363504, MedGen C1336708, MONDO:0010108, OMIM 273300.
Melanoma, cutaneous malignant, susceptibility to, 1 (CMM1). Also called: B-K MOLE SYNDROME; DYSPLASTIC NEVUS SYNDROME, HEREDITARY; FAMILIAL ATYPICAL MOLE-MALIGNANT MELANOMA SYNDROME; MELANOMA, MALIGNANT. Identifiers: Orphanet 618, MedGen C1835047, MONDO:0007963, OMIM 155600.
Familial pancreatic carcinoma. Identifiers: Orphanet 1333, MedGen C2931038, MONDO:0015278, OMIM 260350.

Allele frequency attached by ClinVar (database versions not stated): gnomAD exomes 0.00001.

Submissions (2):

Labcorp Genetics (formerly Invitae), Labcorp
Classification: Uncertain significance for Peutz-Jeghers syndrome. Last evaluated: 2025-05-22. Review status: criteria provided, single submitter. Criteria: Invitae Variant Classification Sherloc (09022015). Collection method: clinical testing. Allele origin: germline.
Comment: This sequence change replaces cysteine, which is neutral and slightly polar, with tyrosine, which is neutral and polar, at codon 278 of the STK11 protein (p.Cys278Tyr). This variant is not present in population databases (gnomAD no frequency). This variant has not been reported in the literature in individuals affected with STK11-related conditions. ClinVar contains an entry for this variant (Variation ID: 854903). Invitae Evidence Modeling of protein sequence and biophysical properties (such as structural, functional, and spatial information, amino acid conservation, physicochemical variation, residue mobility, and thermodynamic stability) has been performed for this missense variant. However, the output from this modeling did not meet the statistical confidence thresholds required to predict the impact of this variant on STK11 protein function. In summary, the available evidence is currently insufficient to determine the role of this variant in disease. Therefore, it has been classified as a Variant of Uncertain Significance.

Department of Pathology and Laboratory Medicine, Sinai Health System
Classification: Uncertain significance for Melanoma, cutaneous malignant, susceptibility to, 1; Peutz-Jeghers syndrome; Familial pancreatic carcinoma; Germ cell tumor of testis. Last evaluated: 2024-02-26. Review status: criteria provided, single submitter. Criteria: ACMG Guidelines, 2015. Collection method: clinical testing. Allele origin: germline. Affected: yes.